The following is an entry in ClinVar:

ClinVar aggregate classification (germline): Likely pathogenic (0 of 4 stars; one submission).

Conditions:
COL7A1-related disorder. Also called: COL7A1-related condition; COL7A1- related disorders.

Submission:

PreventionGenetics, part of Exact Sciences
Classification: Likely pathogenic for COL7A1-related condition. Last evaluated: 2024-09-19. Review status: no assertion criteria provided. Collection method: clinical testing. Allele origin: germline.
Comment: The COL7A1 c.6026G>T variant is predicted to result in the amino acid substitution p.Gly2009Val. To our knowledge, this variant has not been reported in the literature or in a large population database, indicating this variant is rare. This variant resides in exon 73 and results in a glycine residue substitution. Glycine substitution variants in the triple helical domain (Gly-X-Y; especially in exons 73, 74, and 75) are predominant in autosomal dominant dystrophic epidermolysis bullosa (DDEB). Alternate nucleotide substitutions affecting the same amino acid (p.Gly2009Ala and p.Gly2009Arg) have been reported in multiple individuals with dominant epidermolysis bullosa (Appendix 1, Varki et al. 2007. PubMed ID: 16971478; Table 1, Almaani et al. 2009. PubMed ID: 19197535; Table 1, Winberg et al. 1997. PubMed ID: 9215684). In summary, the c.6026G>T (p.Gly2009Val) variant is interpreted as likely pathogenic.

NM_000094.4(COL7A1):c.6026G>T (p.Gly2009Val)

Gene: COL7A1 (collagen type VII alpha 1 chain; minus strand). Cytogenetic location: 3p21.31.
Variant type: single nucleotide variant.
Coding change: c.6026G>T on transcript NM_000094.4 (MANE Select); coding-DNA position 6026, G replaced by T.
Protein change: p.Gly2009Val; replaces glycine 2009 with valine.
Molecular consequence: missense variant.
Genome position (GRCh38, 1-based): chr3:48,575,493, C>A on the plus strand (G>T on the coding strand, the complement: COL7A1 is on the minus strand). VCF-style: chr3-48575493-C-A. GRCh37 (hg19) VCF-style: chr3-48612926-C-A.
Other names: short protein forms G2009V.
Identifiers: ClinVar variation 3358702 (VCV003358702.1).